The following is an entry in ClinVar:

NM_001401501.2(MUC16):c.39271C>T (p.Arg13091Cys)

Gene: MUC16 (mucin 16, cell surface associated; minus strand). Cytogenetic location: 19p13.2.
Variant type: single nucleotide variant.
Coding change: c.39271C>T on transcript NM_001401501.2 (MANE Select); coding-DNA position 39271, C replaced by T.
Protein change: p.Arg13091Cys; replaces arginine 13091 with cysteine.
Molecular consequence: missense variant.
Genome position (GRCh38, 1-based): chr19:8,898,965, G>A on the plus strand (C>T on the coding strand, the complement: MUC16 is on the minus strand). VCF-style: chr19-8898965-G-A. GRCh37 (hg19) VCF-style: chr19-9009641-G-A.
Other names: c.39697C>T, p.Arg13233Cys (NM_001414686.1); c.39151C>T, p.Arg13051Cys (NM_001414687.1); c.39085C>T, p.Arg13029Cys (NM_024690.2); short protein forms R13029C, R13051C, R13091C, R13233C.
Identifiers: ClinVar variation 3041327 (VCV003041327.2), dbSNP rs115200029, ClinGen allele CA9164223.

ClinVar aggregate classification (germline): Benign (0 of 4 stars; one submission).

Conditions:
MUC16-related disorder. Also called: MUC16-related condition.

Allele frequency attached by ClinVar (database versions not stated): ExAC 0.00264; gnomAD 0.00857; 1000 Genomes Project 0.00859; ESP Exome Variant Server 0.00908; 1000 Genomes Project 30x 0.00921.

Submission:

PreventionGenetics, part of Exact Sciences
Classification: Benign for MUC16-related condition. Last evaluated: 2019-02-20. Review status: no assertion criteria provided. Collection method: clinical testing. Allele origin: germline.
Comment: This variant is classified as benign based on ACMG/AMP sequence variant interpretation guidelines (Richards et al. 2015 PMID: 25741868, with internal and published modifications).